The following is an entry in ClinVar:

NM_000337.6(SGCD):c.715G>A (p.Ala239Thr)

Gene: SGCD (sarcoglycan delta; plus strand). Cytogenetic location: 5q33.3.
Variant type: single nucleotide variant.
Coding change: c.715G>A on transcript NM_000337.6 (MANE Select); coding-DNA position 715, G replaced by A.
Protein change: p.Ala239Thr; replaces alanine 239 with threonine.
Molecular consequence: missense variant.
Genome position (GRCh38, 1-based): chr5:156,759,232, G>A. VCF-style: chr5-156759232-G-A. GRCh37 (hg19) VCF-style: chr5-156186243-G-A.
Other names: c.712G>A, p.Ala238Thr (NM_001128209.2); short protein forms A238T, A239T.
Identifiers: ClinVar variation 1514968 (VCV001514968.5), dbSNP rs373871327, ClinGen allele CA130642252.
Genomic context (GRCh38, chr5:156,759,232, plus strand): 5'-CGACAGCCTCTGACCAATGCTTTCCTTCCTATTCTCTGTCTTTAGATTAAGTTAGATGCT[G>A]CGAAAATCAGGCTACCTAGACTGCCTCATGGATCCTACACGCCTACAGGAACGAGGCAGA-3'
Protein context (NP_000328.2, residues 229-249): SKDGEIKLDA[Ala239Thr]KIRLPRLPHG

ClinVar aggregate classification (germline): Uncertain significance (1 of 4 stars; one submission).

Conditions:
Autosomal recessive limb-girdle muscular dystrophy type 2F (LGMDR6). Also called: Muscular dystrophy limb-girdle with delta-sarcoglyan deficiency; MUSCULAR DYSTROPHY, LIMB-GIRDLE, AUTOSOMAL RECESSIVE 6. Identifiers: Orphanet 219, MedGen C1832525, MONDO:0011028, OMIM 601287. Disease mechanism: Affects gamma-sarcoglycan and also disrupts the integrity of the entire sarcoglycan complex..

Allele frequency attached by ClinVar (database versions not stated): TOPMed below 0.00001; gnomAD 0.00001; gnomAD exomes 0.00001; ESP Exome Variant Server 0.00008.
gnomAD v4.1: 17 of 1,613,570 alleles (0.0011%); highest among the groups gnomAD compares: East Asian, 0.036%; no homozygotes.

Submission:

Labcorp Genetics (formerly Invitae), Labcorp
Classification: Uncertain significance for Autosomal recessive limb-girdle muscular dystrophy type 2F. Last evaluated: 2024-02-19. Review status: criteria provided, single submitter. Criteria: Invitae Variant Classification Sherloc (09022015). Collection method: clinical testing. Allele origin: germline.
Comment: This sequence change replaces alanine, which is neutral and non-polar, with threonine, which is neutral and polar, at codon 239 of the SGCD protein (p.Ala239Thr). This variant is present in population databases (rs373871327, gnomAD 0.01%). This variant has not been reported in the literature in individuals affected with SGCD-related conditions. ClinVar contains an entry for this variant (Variation ID: 1514968). Advanced modeling of protein sequence and biophysical properties (such as structural, functional, and spatial information, amino acid conservation, physicochemical variation, residue mobility, and thermodynamic stability) performed at Invitae indicates that this missense variant is not expected to disrupt SGCD protein function with a negative predictive value of 80%. In summary, the available evidence is currently insufficient to determine the role of this variant in disease. Therefore, it has been classified as a Variant of Uncertain Significance.